The following is an entry in ClinVar:

NM_014515.7(CNOT2):c.48+1G>A

Gene: CNOT2 (CCR4-NOT transcription complex subunit 2; plus strand). Cytogenetic location: 12q15.
Variant type: single nucleotide variant.
Coding change: c.48+1G>A on transcript NM_014515.7 (MANE Select); the canonical splice donor site of the intron after coding-DNA position 48, G replaced by A.
Molecular consequence: splice donor variant. On other transcripts: intron variant (1).
Genome position (GRCh38, 1-based): chr12:70,278,275, G>A. VCF-style: chr12-70278275-G-A. GRCh37 (hg19) VCF-style: chr12-70672055-G-A.
Other names: c.48+1G>A (NM_001199302.2, NM_001414652.1, NM_001414662.1 and 4 more transcripts); c.-391+1G>A (NM_001414655.1); c.-200+1G>A (NM_001414660.1); c.-204+1G>A (NM_001414653.1); c.-192+1G>A (NM_001414657.1); c.-38+1G>A (NM_001414654.1); c.-174+1G>A (NM_001414659.1); c.-12-32620G>A (NM_001414658.1).
Identifiers: ClinVar variation 5000434 (VCV005000434.1).

ClinVar aggregate classification (germline): Uncertain significance (1 of 4 stars; one submission).

Conditions:
CNOT2-related disorder. Also called: CNOT2-related condition.

Submission:

PreventionGenetics, part of Exact Sciences
Classification: Uncertain significance for CNOT2-related condition. Last evaluated: 2025-04-09. Review status: criteria provided, single submitter. Criteria: ACMG Guidelines, 2015. Collection method: clinical testing. Allele origin: germline.
Comment: The CNOT2 c.48+1G>A variant is predicted to disrupt the GT donor site and interfere with normal splicing. To our knowledge, this variant has not been reported in the literature or in a large population database (gnomAD), indicating this variant is rare. Although we suspect that this variant may be pathogenic, at this time, the clinical significance of this variant is uncertain due to the absence of conclusive functional and genetic evidence.